The following is an entry in ClinVar:

ClinVar aggregate classification (germline): Uncertain significance (1 of 4 stars; one submission).

Conditions:
Hyperekplexia 2 (HKPX2). Identifiers: Orphanet 3197, MedGen C3553291, MONDO:0013828, OMIM 614619.

Submission:

Labcorp Genetics (formerly Invitae), Labcorp
Classification: Uncertain significance for Hyperekplexia 2. Last evaluated: 2021-01-11. Review status: criteria provided, single submitter. Criteria: Invitae Variant Classification Sherloc (09022015). Collection method: clinical testing. Allele origin: germline.
Comment: This variant is not present in population databases (ExAC no frequency). This sequence change replaces tryptophan with arginine at codon 111 of the GLRB protein (p.Trp111Arg). The tryptophan residue is highly conserved and there is a moderate physicochemical difference between tryptophan and arginine. This variant has not been reported in the literature in individuals with GLRB-related conditions. Algorithms developed to predict the effect of missense changes on protein structure and function (SIFT, PolyPhen-2, Align-GVGD) all suggest that this variant is likely to be disruptive, but these predictions have not been confirmed by published functional studies and their clinical significance is uncertain. In summary, the available evidence is currently insufficient to determine the role of this variant in disease. Therefore, it has been classified as a Variant of Uncertain Significance.

NM_000824.5(GLRB):c.331T>C (p.Trp111Arg)

Gene: GLRB (glycine receptor beta; plus strand). Cytogenetic location: 4q32.1.
Variant type: single nucleotide variant.
Coding change: c.331T>C on transcript NM_000824.5 (MANE Select); coding-DNA position 331, T replaced by C.
Protein change: p.Trp111Arg; replaces tryptophan 111 with arginine.
Molecular consequence: missense variant.
Genome position (GRCh38, 1-based): chr4:157,136,502, T>C. VCF-style: chr4-157136502-T-C. GRCh37 (hg19) VCF-style: chr4-158057654-T-C.
Other names: c.331T>C, p.Trp111Arg (NM_001166060.2, NM_001166061.2); short protein forms W111R.
Identifiers: ClinVar variation 1507432 (VCV001507432.8), dbSNP rs2126565988, ClinGen allele CA358642346.